The following is an entry in ClinVar:

ClinVar aggregate classification (germline): Uncertain significance. Review status: criteria provided, multiple submitters, no conflicts (2 of 4 stars). 2 submissions from 2 submitters: Uncertain significance (2). Last evaluated 2025-03-02.

Conditions:
Cardiovascular phenotype. Identifiers: MedGen CN230736.
RASopathy. Also called: rasopathies; Noonan spectrum disorder. Identifiers: Orphanet 536391, MedGen C5555857, MONDO:0021060.

Allele frequency attached by ClinVar (database versions not stated): gnomAD exomes 0.00001.
gnomAD v4.1: 3 of 1,614,202 alleles (0.00019%); highest among the groups gnomAD compares: Non-Finnish European, 0.00025%; no homozygotes.

Submissions (2):

Ambry Genetics
Classification: Uncertain significance for Cardiovascular phenotype. Last evaluated: 2025-03-02. Review status: criteria provided, single submitter. Criteria: Ambry Variant Classification Scheme 2023. Collection method: clinical testing. Allele origin: germline.
Comment: The p.P594L variant (also known as c.1781C>T), located in coding exon 11 of the CBL gene, results from a C to T substitution at nucleotide position 1781. The proline at codon 594 is replaced by leucine, an amino acid with similar properties. This amino acid position is conserved. In addition, the in silico prediction for this alteration is inconclusive. Based on the available evidence, the clinical significance of this variant remains unclear.

Labcorp Genetics (formerly Invitae), Labcorp
Classification: Uncertain significance for RASopathy. Last evaluated: 2022-11-15. Review status: criteria provided, single submitter. Criteria: Invitae Variant Classification Sherloc (09022015). Collection method: clinical testing. Allele origin: germline.
Comment: In summary, the available evidence is currently insufficient to determine the role of this variant in disease. Therefore, it has been classified as a Variant of Uncertain Significance. Advanced modeling of protein sequence and biophysical properties (such as structural, functional, and spatial information, amino acid conservation, physicochemical variation, residue mobility, and thermodynamic stability) performed at Invitae indicates that this missense variant is not expected to disrupt CBL protein function. This variant has not been reported in the literature in individuals affected with CBL-related conditions. This variant is present in population databases (no rsID available, gnomAD 0.002%). This sequence change replaces proline, which is neutral and non-polar, with leucine, which is neutral and non-polar, at codon 594 of the CBL protein (p.Pro594Leu).

NM_005188.4(CBL):c.1781C>T (p.Pro594Leu)

Gene: CBL (Cbl proto-oncogene; plus strand). Cytogenetic location: 11q23.3.
Variant type: single nucleotide variant.
Coding change: c.1781C>T on transcript NM_005188.4 (MANE Select); coding-DNA position 1781, C replaced by T.
Protein change: p.Pro594Leu; replaces proline 594 with leucine.
Molecular consequence: missense variant.
Genome position (GRCh38, 1-based): chr11:119,285,406, C>T. VCF-style: chr11-119285406-C-T. GRCh37 (hg19) VCF-style: chr11-119156116-C-T.
Other names: c.1781C>T (NM_005188.2); short protein forms P594L.
Identifiers: ClinVar variation 1906447 (VCV001906447.6), dbSNP rs1439720739, ClinGen allele CA382920308.